The following is an entry in ClinVar:

ClinVar aggregate classification (germline): Pathogenic. Review status: criteria provided, multiple submitters, no conflicts (2 of 4 stars). 8 submissions from 8 submitters: Pathogenic (6). 2 of the submissions do not count toward it. Last evaluated 2025-10-02.

Conditions:
Autosomal recessive retinitis pigmentosa. Identifiers: MedGen C0339526.
CERKL-related disorders.
Retinitis pigmentosa 26 (RP26). Identifiers: Orphanet 791, MedGen C1842127, MONDO:0012024, OMIM 608380.
Retinitis pigmentosa (RP). Identifiers: Orphanet 791, MedGen C0035334, MeSH D012174, MONDO:0019200, OMIM 268000. Inheritance: Autosomal dominant, autosomal recessive and X linked inheritance.

Allele frequency attached by ClinVar (database versions not stated): gnomAD exomes below 0.00001 and 0.00001; TOPMed below 0.00001.
gnomAD v4.1: 2 of 1,590,466 alleles (0.00013%); highest among the groups gnomAD compares: Admixed American, 0.0034%; no homozygotes.

Submissions (8):

Natera, Inc.
Classification: Pathogenic for Retinitis Pigmentosa 26. Last evaluated: 2025-10-02. Review status: criteria provided, single submitter. Criteria: Natera Variant Classification Schema (03/2026). Collection method: clinical testing. Allele origin: germline.
Comment: The c.238+1G>A variant in CERKL is a canonical splice donor site variant predicted to affect pre-mRNA splicing, which may result in an abnormal transcript and altered protein product. This variant is expected to result in nonsense mediated decay, truncation, or a dysfunctional protein product. This variant is rare in the general population with a frequency below the threshold expected for the associated phenotype(s). This variant has been observed in one or more individuals affected with the associated recessive disease, as either homozygous or compound heterozygous with a second variant (PMID: 18055789). Given the available evidence, this variant is classified as Pathogenic.

Fulgent Genetics
Classification: Pathogenic for Retinitis pigmentosa 26. Last evaluated: 2024-05-08. Review status: criteria provided, single submitter. Criteria: ACMG Guidelines, 2015. Collection method: clinical testing. Allele origin: germline.

Genomic Medicine Center of Excellence, King Faisal Specialist Hospital and Research Centre
Classification: Pathogenic for Retinitis pigmentosa 26. Last evaluated: 2024-03-17. Review status: criteria provided, single submitter. Criteria: ACMG Guidelines, 2015. Collection method: research. Allele origin: germline.

Labcorp Genetics (formerly Invitae), Labcorp
Classification: Pathogenic. Last evaluated: 2024-01-10. Review status: criteria provided, single submitter. Criteria: Invitae Variant Classification Sherloc (09022015). Collection method: clinical testing. Allele origin: germline.
Comment: This sequence change affects a donor splice site in intron 1 of the CERKL gene. It is expected to disrupt RNA splicing. Variants that disrupt the donor or acceptor splice site typically lead to a loss of protein function (PMID: 16199547), and loss-of-function variants in CERKL are known to be pathogenic (PMID: 14681825, 23591405, 24043777). This variant is present in population databases (no rsID available, gnomAD 0.006%). Disruption of this splice site has been observed in individual(s) with retinal degeneration (PMID: 18055789). It has also been observed to segregate with disease in related individuals. ClinVar contains an entry for this variant (Variation ID: 812266). Studies have shown that disruption of this splice site alters mRNA splicing and is expected to lead to the loss of protein expression (PMID: 18055789). For these reasons, this variant has been classified as Pathogenic.

Blueprint Genetics
Classification: Pathogenic for CERKL-related disorders. Last evaluated: 2023-02-24. Review status: criteria provided, single submitter. Criteria: ACMG Guidelines, 2015. Collection method: clinical testing. Allele origin: germline. Affected: yes. Observed: 4 variant alleles.

Department of Pathology and Laboratory Medicine, Sinai Health System
Classification: Pathogenic for Retinitis pigmentosa 26. Last evaluated: 2023-01-04. Review status: criteria provided, single submitter. Criteria: ACMG Guidelines, 2015. Collection method: research. Allele origin: germline.

Sharon lab, Hadassah-Hebrew University Medical Center
Classification: Pathogenic for Retinitis pigmentosa. Last evaluated: 2019-06-23. Review status: no assertion criteria provided. Collection method: research. Allele origin: inherited. Affected: yes. Not counted in ClinVar's aggregate classification.

Faculty of Health Sciences, Beirut Arab University
Classification: Pathogenic for Autosomal recessive Retinitis Pigmentosa. Last evaluated: 2015-09-10. Review status: no assertion criteria provided. Collection method: literature only. Allele origin: germline. Affected: yes. Observed: 1 variant allele. Not counted in ClinVar's aggregate classification.

Literature cited by the submitters: PubMed 18055789 (cited by Natera, Inc. and Labcorp Genetics (formerly Invitae), Labcorp); PubMed 16199547 (cited by Labcorp Genetics (formerly Invitae), Labcorp); PubMed 14681825 (cited by Labcorp Genetics (formerly Invitae), Labcorp); PubMed 23591405 (cited by Labcorp Genetics (formerly Invitae), Labcorp); PubMed 24043777 (cited by Labcorp Genetics (formerly Invitae), Labcorp); PubMed 26355662 (cited by Faculty of Health Sciences, Beirut Arab University).

NM_201548.5(CERKL):c.238+1G>A

Genes: CERKL (CERK like autophagy regulator; minus strand), LOC129935214 (ATAC-STARR-seq lymphoblastoid silent region 12157; plus strand). Cytogenetic location: 2q31.3.
Variant type: single nucleotide variant.
Coding change: c.238+1G>A on transcript NM_201548.5 (MANE Select); the canonical splice donor site of the intron after coding-DNA position 238, G replaced by A.
Molecular consequence: splice donor variant.
Genome position (GRCh38, 1-based): chr2:181,656,768, C>T on the plus strand (G>A on the coding strand, the complement: CERKL is on the minus strand). VCF-style: chr2-181656768-C-T. GRCh37 (hg19) VCF-style: chr2-182521495-C-T.
Other names: c.238+1G>A (NM_001030312.3, NM_001160277.2, NM_001030313.3 and 1 more transcripts).
Identifiers: ClinVar variation 812266 (VCV000812266.22), dbSNP rs1276597208, ClinGen allele CA349744188.